The following is an entry in ClinVar:

NM_006204.4(PDE6C):c.1292G>A (p.Trp431Ter)

Gene: PDE6C (phosphodiesterase 6C; plus strand). Cytogenetic location: 10q23.33.
Variant type: single nucleotide variant.
Coding change: c.1292G>A on transcript NM_006204.4 (MANE Select); coding-DNA position 1292, G replaced by A.
Protein change: p.Trp431Ter; replaces tryptophan 431 with a stop codon.
Molecular consequence: nonsense.
Genome position (GRCh38, 1-based): chr10:93,635,519, G>A. VCF-style: chr10-93635519-G-A. GRCh37 (hg19) VCF-style: chr10-95395276-G-A.
Other names: short protein forms W431*.
Identifiers: ClinVar variation 858833 (VCV000858833.7), dbSNP rs2058524059, ClinGen allele CA377614880.

ClinVar aggregate classification (germline): Pathogenic (1 of 4 stars; one submission).

Allele frequency attached by ClinVar (database versions not stated): TOPMed below 0.00001; gnomAD 0.00001.

Submission:

Labcorp Genetics (formerly Invitae), Labcorp
Classification: Pathogenic. Last evaluated: 2019-11-20. Review status: criteria provided, single submitter. Criteria: Invitae Variant Classification Sherloc (09022015). Collection method: clinical testing. Allele origin: germline.
Comment: For these reasons, this variant has been classified as Pathogenic. Loss-of-function variants in PDE6C are known to be pathogenic (PMID: 19887631, 23776498, 26103963, 30080950). Algorithms developed to predict the effect of sequence changes on RNA splicing suggest that this variant may create or strengthen a splice site, but this prediction has not been confirmed by published transcriptional studies. This variant has not been reported in the literature in individuals with PDE6C-related conditions. This variant is not present in population databases (ExAC no frequency). This sequence change creates a premature translational stop signal (p.Trp431*) in the PDE6C gene. It is expected to result in an absent or disrupted protein product.

Literature cited by the submitters: PubMed 19887631; PubMed 23776498; PubMed 26103963; PubMed 30080950.